The following is an entry in ClinVar:

NM_000038.6(APC):c.5043A>G (p.Ser1681=)

Gene: APC (APC regulator of Wnt signaling pathway; plus strand). Cytogenetic location: 5q22.2.
Variant type: single nucleotide variant.
Coding change: c.5043A>G on transcript NM_000038.6 (MANE Select); coding-DNA position 5043, A replaced by G.
Protein change: p.Ser1681=; no amino-acid change (serine 1681 retained).
Molecular consequence: synonymous variant.
Genome position (GRCh38, 1-based): chr5:112,840,637, A>G. VCF-style: chr5-112840637-A-G. GRCh37 (hg19) VCF-style: chr5-112176334-A-G.
Other names: c.5043A>G, p.Ser1681= (NM_001127510.3, NM_001354895.2); c.4989A>G, p.Ser1663= (NM_001127511.3); c.5097A>G, p.Ser1699= (NM_001354896.2); c.5073A>G, p.Ser1691= (NM_001354897.2); c.4968A>G, p.Ser1656= (NM_001354898.2); c.4959A>G, p.Ser1653= (NM_001354899.2); c.4920A>G, p.Ser1640= (NM_001354900.2); c.4866A>G, p.Ser1622= (NM_001354901.2); and 5 more.
Identifiers: ClinVar variation 825395 (VCV000825395.15), dbSNP rs755065310, ClinGen allele CA040490.
Genomic context (GRCh38, chr5:112,840,637, plus strand): 5'-AATCGAATCCCCTCCAAATGAGTTAGCTGCTGGAGAAGGAGTTAGAGGAGGGGCACAGTC[A>G]GGTGAATTTGAAAAACGAGATACCATTCCTACAGAAGGCAGAAGTACAGATGAGGCTCAA-3'
Protein context (NP_000029.2, residues 1671-1691): AGEGVRGGAQ[Ser1681=]GEFEKRDTIP

ClinVar aggregate classification (germline): Benign/Likely benign. Review status: criteria provided, multiple submitters, no conflicts (2 of 4 stars). 6 submissions from 6 submitters: Benign (1); Likely benign (5). Last evaluated 2025-11-12.

Conditions:
Hereditary cancer-predisposing syndrome. Also called: Neoplastic Syndromes, Hereditary; Tumor predisposition; Hereditary neoplastic syndrome; Hereditary Cancer Syndrome. Identifiers: Orphanet 140162, MedGen C0027672, MeSH D009386, MONDO:0015356.
Familial adenomatous polyposis 1 (FAP1). Also called: POLYPOSIS, ADENOMATOUS INTESTINAL; FAMILIAL ADENOMATOUS POLYPOSIS 1, ATTENUATED. Identifiers: MedGen C2713442, MONDO:0021056, OMIM 175100. Disease mechanism: loss of function.

Allele frequency attached by ClinVar (database versions not stated): gnomAD exomes below 0.00001; ExAC 0.00001.
gnomAD v4.1: 4 of 1,614,042 alleles (0.00025%); highest among the groups gnomAD compares: South Asian, 0.0044%; no homozygotes.

Submissions (6):

Labcorp Genetics (formerly Invitae), Labcorp
Classification: Likely benign for Familial adenomatous polyposis 1. Last evaluated: 2025-11-12. Review status: criteria provided, single submitter. Criteria: Invitae Variant Classification Sherloc (09022015). Collection method: clinical testing. Allele origin: germline.

Quest Diagnostics Nichols Institute San Juan Capistrano
Classification: Likely benign. Last evaluated: 2025-07-22. Review status: criteria provided, single submitter. Criteria: Quest Diagnostics criteria. Collection method: clinical testing. Allele origin: unknown.

Color Diagnostics, LLC DBA Color Health
Classification: Likely benign for Hereditary cancer-predisposing syndrome. Last evaluated: 2024-11-25. Review status: criteria provided, single submitter. Criteria: ACMG Guidelines, 2015. Collection method: clinical testing. Allele origin: germline.

Myriad Genetics, Inc.
Classification: Benign for Familial adenomatous polyposis 1. Last evaluated: 2024-03-28. Review status: criteria provided, single submitter. Criteria: Myriad Autosomal Dominant, Autosomal Recessive and X-Linked Classification Criteria (2023). Collection method: clinical testing. Allele origin: unknown.
Comment: This variant is considered benign. This variant is a silent/synonymous amino acid change and it is not expected to impact splicing.

Sema4
Classification: Likely benign for Hereditary cancer-predisposing syndrome. Last evaluated: 2021-12-28. Review status: criteria provided, single submitter. Criteria: Sema4 Curation Guidelines. Collection method: curation. Allele origin: germline.

Ambry Genetics
Classification: Likely benign for Hereditary cancer-predisposing syndrome. Last evaluated: 2019-05-09. Review status: criteria provided, single submitter. Criteria: Ambry Variant Classification Scheme 2023. Collection method: clinical testing. Allele origin: germline.